The following is an entry in ClinVar:

NM_002972.4(SBF1):c.4996G>A (p.Asp1666Asn)

Gene: SBF1 (SET binding factor 1; minus strand). Cytogenetic location: 22q13.33.
Variant type: single nucleotide variant.
Coding change: c.4996G>A on transcript NM_002972.4 (MANE Select); coding-DNA position 4996, G replaced by A.
Protein change: p.Asp1666Asn; replaces aspartic acid 1666 with asparagine.
Molecular consequence: missense variant.
Genome position (GRCh38, 1-based): chr22:50,454,559, C>T on the plus strand (G>A on the coding strand, the complement: SBF1 is on the minus strand). VCF-style: chr22-50454559-C-T. GRCh37 (hg19) VCF-style: chr22-50892988-C-T.
Other names: c.4921G>A, p.Asp1641Asn (NM_001365819.1); c.4999G>A, p.Asp1667Asn (NM_001410794.1); c.4918G>A, p.Asp1640Asn (NM_001410795.1); short protein forms D1640N, D1667N, D1641N, D1666N.
Identifiers: ClinVar variation 4580897 (VCV004580897.2).

ClinVar aggregate classification (germline): Uncertain significance. Review status: criteria provided, multiple submitters, no conflicts (2 of 4 stars). 2 submissions from 2 submitters: Uncertain significance (2). Last evaluated 2025-11-18.

gnomAD v4.1: 23 of 1,611,510 alleles (0.0014%); highest among the groups gnomAD compares: Admixed American, 0.005%; no homozygotes.

Submissions (2):

Labcorp Genetics (formerly Invitae), Labcorp
Classification: Uncertain significance. Last evaluated: 2025-11-18. Review status: criteria provided, single submitter. Criteria: Invitae Variant Classification Sherloc (09022015). Collection method: clinical testing. Allele origin: germline.
Comment: This sequence change replaces aspartic acid, which is acidic and polar, with asparagine, which is neutral and polar, at codon 1666 of the SBF1 protein (p.Asp1666Asn). This variant is present in population databases (rs759925776, gnomAD 0.006%). This variant has not been reported in the literature in individuals affected with SBF1-related conditions. Invitae Evidence Modeling of protein sequence and biophysical properties (such as structural, functional, and spatial information, amino acid conservation, physicochemical variation, residue mobility, and thermodynamic stability) indicates that this missense variant is not expected to disrupt SBF1 protein function with a negative predictive value of 80%. In summary, the available evidence is currently insufficient to determine the role of this variant in disease. Therefore, it has been classified as a Variant of Uncertain Significance.

Ambry Genetics
Classification: Uncertain significance. Last evaluated: 2025-11-13. Review status: criteria provided, single submitter. Criteria: Ambry Variant Classification Scheme 2023. Collection method: clinical testing. Allele origin: germline.